The following is an entry in ClinVar:

ClinVar aggregate classification (germline): Uncertain significance (1 of 4 stars; one submission).

Conditions:
Hereditary cancer-predisposing syndrome. Also called: Hereditary neoplastic syndrome; Neoplastic Syndromes, Hereditary; Tumor predisposition; Hereditary Cancer Syndrome. Identifiers: Orphanet 140162, MedGen C0027672, MeSH D009386, MONDO:0015356.

Submission:

Ambry Genetics
Classification: Uncertain significance for Hereditary cancer-predisposing syndrome. Last evaluated: 2025-08-27. Review status: criteria provided, single submitter. Criteria: Ambry Variant Classification Scheme 2023. Collection method: clinical testing. Allele origin: germline.
Comment: The p.S543I variant (also known as c.1628G>T), located in coding exon 16 of the MUTYH gene, results from a G to T substitution at nucleotide position 1628. The serine at codon 543 is replaced by isoleucine, an amino acid with dissimilar properties. This amino acid position is conserved. In addition, this alteration is predicted to be tolerated by in silico analysis. Based on the available evidence, the clinical significance of this variant remains unclear.

NM_001048174.2(MUTYH):c.1544G>T (p.Ser515Ile)

Gene: MUTYH (mutY DNA glycosylase; minus strand). Cytogenetic location: 1p34.1.
Variant type: single nucleotide variant.
Coding change: c.1544G>T on transcript NM_001048174.2 (MANE Select); coding-DNA position 1544, G replaced by T.
Protein change: p.Ser515Ile; replaces serine 515 with isoleucine.
Molecular consequence: missense variant. On other transcripts: non-coding transcript variant (7).
Genome position (GRCh38, 1-based): chr1:45,329,328, C>A on the plus strand (G>T on the coding strand, the complement: MUTYH is on the minus strand). VCF-style: chr1-45329328-C-A. GRCh37 (hg19) VCF-style: chr1-45795000-C-A.
Other names: c.1544G>T, p.Ser515Ile (NM_001048171.2, NM_001048173.2, NM_001293195.2 and 6 more transcripts); c.1547G>T, p.Ser516Ile (NM_001048172.2, NM_001407071.1, NM_001407078.1 and 1 more transcripts); c.1628G>T, p.Ser543Ile (NM_001128425.2); c.1589G>T, p.Ser530Ile (NM_001293190.2); c.1577G>T, p.Ser526Ile (NM_001293191.2, NM_001407069.1, NM_001407077.1); c.1268G>T, p.Ser423Ile (NM_001293192.2, NM_001293196.2, NM_001407091.1); c.1199G>T, p.Ser400Ile (NM_001350650.2, NM_001350651.2, NM_001407082.1); c.1460G>T, p.Ser487Ile (NM_001407075.1); and 5 more; short protein forms S423I, S515I, S530I, S540I, S543I, S516I, S501I, S502I.
Identifiers: ClinVar variation 4113464 (VCV004113464.1).